The following is an entry in ClinVar:

NM_032444.4(SLX4):c.425del (p.Gly142fs)

Gene: SLX4 (SLX4 structure-specific endonuclease subunit; minus strand). Cytogenetic location: 16p13.3.
Variant type: Deletion.
Coding change: c.425del on transcript NM_032444.4 (MANE Select); coding-DNA position 425, one base deleted (G; older notation c.425delG).
Protein change: p.Gly142fs; shifts the reading frame from glycine 142.
Molecular consequence: frameshift variant.
Genome position (GRCh38, 1-based): chr16:3,608,540, C deleted on the plus strand (G on the coding strand, the reverse complement: SLX4 is on the minus strand); the first of 6 consecutive C bases (chr16:3,608,540-3,608,545); deleting any one gives the same sequence. VCF-style (leftmost placement, unchanged base first): chr16-3608539-AC-A. GRCh37 (hg19) VCF-style: chr16-3658540-AC-A.
Other names: short protein forms G142fs.
Identifiers: ClinVar variation 623231 (VCV000623231.3), dbSNP rs757662453, ClinGen allele CA7866876.

ClinVar aggregate classification (germline): Pathogenic/Likely pathogenic. Review status: criteria provided, multiple submitters, no conflicts (2 of 4 stars). 2 submissions from 2 submitters: Pathogenic (1); Likely pathogenic (1). Last evaluated 2024-11-26.

Conditions:
Fanconi anemia complementation group P. Also called: SLX4-Related Fanconi Anemia. Identifiers: Orphanet 84, MedGen C3469542, MONDO:0013499, OMIM 613951.
Fanconi anemia (FA). Also called: Fanconi's anemia. Identifiers: Orphanet 84, MedGen C0015625, MeSH D005199, MONDO:0019391.

Submissions (2):

Labcorp Genetics (formerly Invitae), Labcorp
Classification: Pathogenic for Fanconi anemia. Last evaluated: 2024-11-26. Review status: criteria provided, single submitter. Criteria: Invitae Variant Classification Sherloc (09022015). Collection method: clinical testing. Allele origin: germline.
Comment: This sequence change creates a premature translational stop signal (p.Gly142Valfs*52) in the SLX4 gene. It is expected to result in an absent or disrupted protein product. Loss-of-function variants in SLX4 are known to be pathogenic (PMID: 21240277). This variant is present in population databases (rs757662453, gnomAD 0.003%). This variant has not been reported in the literature in individuals affected with SLX4-related conditions. ClinVar contains an entry for this variant (Variation ID: 623231). For these reasons, this variant has been classified as Pathogenic.

Molecular Diagnostics Laboratory, M Health Fairview: University of Minnesota
Classification: Likely pathogenic for Fanconi anemia complementation group P. Last evaluated: 2016-12-09. Review status: criteria provided, single submitter. Criteria: ACMG Guidelines, 2015. Collection method: clinical testing. Allele origin: germline. Affected: yes. Observed: 1 variant allele.

Literature cited by the submitters: PubMed 21240277 (cited by Labcorp Genetics (formerly Invitae), Labcorp).